The following is an entry in ClinVar:

ClinVar aggregate classification (germline): Uncertain significance (1 of 4 stars; one submission).

Submission:

Labcorp Genetics (formerly Invitae), Labcorp
Classification: Uncertain significance. Last evaluated: 2022-07-13. Review status: criteria provided, single submitter. Criteria: Invitae Variant Classification Sherloc (09022015). Collection method: clinical testing. Allele origin: germline.
Comment: In summary, the available evidence is currently insufficient to determine the role of this variant in disease. Therefore, it has been classified as a Variant of Uncertain Significance. This sequence change replaces aspartic acid, which is acidic and polar, with alanine, which is neutral and non-polar, at codon 791 of the CAD protein (p.Asp791Ala). This variant is not present in population databases (gnomAD no frequency). This variant has not been reported in the literature in individuals affected with CAD-related conditions. Algorithms developed to predict the effect of missense changes on protein structure and function are either unavailable or do not agree on the potential impact of this missense change (SIFT: "Deleterious"; PolyPhen-2: "Possibly Damaging"; Align-GVGD: "Class C0").

NM_004341.5(CAD):c.2372A>C (p.Asp791Ala)

Genes: CAD (carbamoyl-phosphate synthetase 2, aspartate transcarbamylase, and dihydroorotase; plus strand), LOC126806171 (BRD4-independent group 4 enhancer GRCh37_chr2:27454350-27455549; plus strand). Cytogenetic location: 2p23.3.
Variant type: single nucleotide variant.
Coding change: c.2372A>C on transcript NM_004341.5 (MANE Select); coding-DNA position 2372, A replaced by C.
Protein change: p.Asp791Ala; replaces aspartic acid 791 with alanine.
Molecular consequence: missense variant.
Genome position (GRCh38, 1-based): chr2:27,231,552, A>C. VCF-style: chr2-27231552-A-C. GRCh37 (hg19) VCF-style: chr2-27454420-A-C.
Other names: c.2183A>C, p.Asp728Ala (NM_001306079.2); short protein forms D791A, D728A.
Identifiers: ClinVar variation 2088200 (VCV002088200.3), dbSNP rs1438940964, ClinGen allele CA346210160.
Genomic context (GRCh38, chr2:27,231,552, plus strand): 5'-CATTTGAGGAGGCCTTCCAGAAGGCCCTGCGCATGGTGGATGAGAACTGTGTGGGCTTTG[A>C]TCACACAGTGAAACCAGTCAGCGATATGGTAAGTAGCTCCCCTCCCCTGGCAATACCCCT-3'
Protein context (NP_004332.2, residues 781-801): RMVDENCVGF[Asp791Ala]HTVKPVSDME